The following is an entry in ClinVar:

NM_031418.4(ANO3):c.263A>G (p.Asn88Ser)

Gene: ANO3 (anoctamin 3; plus strand). Cytogenetic location: 11p14.2.
Variant type: single nucleotide variant.
Coding change: c.263A>G on transcript NM_031418.4 (MANE Select); coding-DNA position 263, A replaced by G.
Protein change: p.Asn88Ser; replaces asparagine 88 with serine.
Molecular consequence: missense variant.
Genome position (GRCh38, 1-based): chr11:26,443,786, A>G. VCF-style: chr11-26443786-A-G. GRCh37 (hg19) VCF-style: chr11-26465333-A-G.
Other names: c.446A>G, p.Asn149Ser (NM_001313726.2); short protein forms N149S, N88S.
Identifiers: ClinVar variation 2038858 (VCV002038858.4), dbSNP rs1565028129, ClinGen allele CA380066489.

ClinVar aggregate classification (germline): Uncertain significance (1 of 4 stars; one submission).

Conditions:
Dystonic disorder. Also called: Dystonia. Identifiers: MedGen C0013421, MONDO:0003441, HP:0001332.

Submission:

Labcorp Genetics (formerly Invitae), Labcorp
Classification: Uncertain significance for Dystonic disorder. Last evaluated: 2023-05-15. Review status: criteria provided, single submitter. Criteria: Invitae Variant Classification Sherloc (09022015). Collection method: clinical testing. Allele origin: germline.
Comment: This variant has not been reported in the literature in individuals affected with ANO3-related conditions. In summary, the available evidence is currently insufficient to determine the role of this variant in disease. Therefore, it has been classified as a Variant of Uncertain Significance. Advanced modeling of protein sequence and biophysical properties (such as structural, functional, and spatial information, amino acid conservation, physicochemical variation, residue mobility, and thermodynamic stability) performed at Invitae indicates that this missense variant is not expected to disrupt ANO3 protein function. ClinVar contains an entry for this variant (Variation ID: 2038858). This variant is not present in population databases (gnomAD no frequency). This sequence change replaces asparagine, which is neutral and polar, with serine, which is neutral and polar, at codon 88 of the ANO3 protein (p.Asn88Ser).